The following is an entry in ClinVar:

ClinVar aggregate classification (germline): Pathogenic/Likely pathogenic. Review status: criteria provided, multiple submitters, no conflicts (2 of 4 stars). 2 submissions from 2 submitters: Pathogenic (1); Likely pathogenic (1). Last evaluated 2022-07-30.

Conditions:
DMD-related disorder. Also called: DMD-related condition.
Duchenne muscular dystrophy (DMD). Also called: Duchenne Muscular Dystrophy (DMD); MUSCULAR DYSTROPHY, PSEUDOHYPERTROPHIC PROGRESSIVE, DUCHENNE TYPE. Identifiers: Orphanet 98896, MedGen C0013264, MONDO:0010679, OMIM 310200.

Submissions (2):

Labcorp Genetics (formerly Invitae), Labcorp
Classification: Pathogenic for Duchenne muscular dystrophy. Last evaluated: 2022-07-30. Review status: criteria provided, single submitter. Criteria: Invitae Variant Classification Sherloc (09022015). Collection method: clinical testing. Allele origin: germline.
Comment: This sequence change creates a premature translational stop signal (p.Lys2411*) in the DMD gene. It is expected to result in an absent or disrupted protein product. Loss-of-function variants in DMD are known to be pathogenic (PMID: 16770791, 25007885). For these reasons, this variant has been classified as Pathogenic. This variant has not been reported in the literature in individuals affected with DMD-related conditions. This variant is not present in population databases (gnomAD no frequency).

Blueprint Genetics
Classification: Likely pathogenic for DMD-related disorders. Last evaluated: 2020-04-03. Review status: criteria provided, single submitter. Criteria: ACMG Guidelines, 2015. Collection method: clinical testing. Allele origin: germline. Affected: yes. Observed: 1 variant allele.

Literature cited by the submitters: PubMed 16770791 (cited by Labcorp Genetics (formerly Invitae), Labcorp); PubMed 25007885 (cited by Labcorp Genetics (formerly Invitae), Labcorp).

NM_004006.3(DMD):c.7231A>T (p.Lys2411Ter)

Gene: DMD (dystrophin; minus strand). Cytogenetic location: Xp21.1.
Variant type: single nucleotide variant.
Coding change: c.7231A>T on transcript NM_004006.3 (MANE Select); coding-DNA position 7231, A replaced by T.
Protein change: p.Lys2411Ter; replaces lysine 2411 with a stop codon.
Molecular consequence: nonsense. On other transcripts: 5 prime UTR variant (5).
Genome position (GRCh38, 1-based): chrX:31,820,053, T>A on the plus strand (A>T on the coding strand, the complement: DMD is on the minus strand). VCF-style: chrX-31820053-T-A. GRCh37 (hg19) VCF-style: chrX-31838170-T-A.
Other names: c.7207A>T, p.Lys2403Ter (NM_000109.4); c.7219A>T, p.Lys2407Ter (NM_004009.3); c.6862A>T, p.Lys2288Ter (NM_004010.3); c.3208A>T, p.Lys1070Ter (NM_004011.4); c.3199A>T, p.Lys1067Ter (NM_004012.4); c.-150A>T (NM_004013.3, NM_004020.4, NM_004021.3 and 2 more transcripts); short protein forms K1067*, K1070*, K2403*, K2407*, K2411*, K2288*.
Identifiers: ClinVar variation 2120109 (VCV002120109.5), dbSNP rs2531583528, ClinGen allele CA412658666.